The following is an entry in ClinVar:

ClinVar aggregate classification (germline): Conflicting classifications of pathogenicity. Review status: criteria provided, conflicting classifications (1 of 4 stars). 8 submissions from 8 submitters: Uncertain significance (2); Benign (1); Likely benign (3). 2 of the submissions do not count toward it. Last evaluated 2026-01-01.

Conditions:
Cerebral arteriopathy with subcortical infarcts and leukoencephalopathy. Also called: Cerebral autosomal dominant arteriopathy with subcortical infarcts and leukoencephalopathy. Identifiers: MedGen C0751587, MONDO:0007432.
Cerebral arteriopathy, autosomal dominant, with subcortical infarcts and leukoencephalopathy, type 1 (CADASIL1). Also called: CADASIL 1; Cerebral arteriopathy with subcortical infarcts and leukoencephalopathy 1; CASIL; DEMENTIA, HEREDITARY MULTIINFARCT TYPE. Identifiers: Orphanet 136, MedGen C4551768, MONDO:0000914, OMIM 125310.
NOTCH3-related disorder. Also called: NOTCH3-related disorders; NOTCH3-related condition.

Allele frequency attached by ClinVar (database versions not stated): TOPMed 0.00009; gnomAD 0.00013 and 0.00015; ESP Exome Variant Server 0.00023; 1000 Genomes Project 30x 0.00047; 1000 Genomes Project 0.00060.
gnomAD v4.1: 140 of 1,614,098 alleles (0.0087%); highest among the groups gnomAD compares: East Asian, 0.078%; no homozygotes.

Submissions (8):

CeGaT Center for Human Genetics Tuebingen
Classification: Uncertain significance. Last evaluated: 2026-01-01. Review status: criteria provided, single submitter. Criteria: CeGaT Center For Human Genetics Tuebingen Variant Classification Criteria Version 2. Collection method: clinical testing. Allele origin: germline. Affected: yes. Observed: 1 variant allele.
Comment: NOTCH3: PM2:Supporting, PS3:Supporting, PS4:Supporting

Women's Health and Genetics/Laboratory Corporation of America, LabCorp
Classification: Likely benign. Last evaluated: 2025-05-27. Review status: criteria provided, single submitter. Criteria: LabCorp Variant Classification Summary - May 2015. Collection method: clinical testing. Allele origin: germline.

Labcorp Genetics (formerly Invitae), Labcorp
Classification: Likely benign. Last evaluated: 2024-11-11. Review status: criteria provided, single submitter. Criteria: Invitae Variant Classification Sherloc (09022015). Collection method: clinical testing. Allele origin: germline.

Blueprint Genetics
Classification: Likely benign. Last evaluated: 2024-09-16. Review status: criteria provided, single submitter. Criteria: ACMG Guidelines, 2015. Collection method: clinical testing. Allele origin: germline.

Mayo Clinic Laboratories, Mayo Clinic
Classification: Uncertain significance. Last evaluated: 2024-06-14. Review status: criteria provided, single submitter. Criteria: ACMG Guidelines, 2015. Collection method: clinical testing. Allele origin: germline. Observed: 1 variant allele.
Comment: BS2, BP1, PP1_strong, PP2, PS3_supporting

Illumina Laboratory Services, Illumina
Classification: Benign for Cerebral arteriopathy, autosomal dominant, with subcortical infarcts and leukoencephalopathy, type 1. Last evaluated: 2018-01-12. Review status: criteria provided, single submitter. Criteria: ICSL Variant Classification Criteria 13 December 2019. Collection method: clinical testing. Allele origin: germline.
Comment: This variant was observed in the ICSL laboratory as part of a predisposition screen in an ostensibly healthy population. It had not been previously curated by ICSL or reported in the Human Gene Mutation Database (HGMD: prior to June 1st, 2018), and was therefore a candidate for classification through an automated scoring system. Utilizing variant allele frequency, disease prevalence and penetrance estimates, and inheritance mode, an automated score was calculated to assess if this variant is too frequent to cause the disease. Based on the score and internal cut-off values, a variant classified as benign is not then subjected to further curation. The score for this variant resulted in a classification of benign for this disease.

Molecular Genetics Laboratory, BC Children's and BC Women's Hospitals
Classification: Uncertain significance for Cerebral arteriopathy with subcortical infarcts and leukoencephalopathy. Last evaluated: 2022-09-22. Review status: no assertion criteria provided. Criteria: ACMG Guidelines, 2015. Collection method: clinical testing. Allele origin: germline. Affected: yes. Not counted in ClinVar's aggregate classification.

PreventionGenetics, part of Exact Sciences
Classification: Likely benign for NOTCH3-related condition. Last evaluated: 2019-06-03. Review status: no assertion criteria provided. Collection method: clinical testing. Allele origin: germline. Not counted in ClinVar's aggregate classification.
Comment: This variant is classified as likely benign based on ACMG/AMP sequence variant interpretation guidelines (Richards et al. 2015 PMID: 25741868, with internal and published modifications).

Literature cited by the submitters: PubMed 28902129 (cited by Mayo Clinic Laboratories, Mayo Clinic); PubMed 35001891 (cited by Mayo Clinic Laboratories, Mayo Clinic).

NM_000435.3(NOTCH3):c.1690G>A (p.Ala564Thr)

Gene: NOTCH3 (notch receptor 3; minus strand). Cytogenetic location: 19p13.12.
Variant type: single nucleotide variant.
Coding change: c.1690G>A on transcript NM_000435.3 (MANE Select); coding-DNA position 1690, G replaced by A.
Protein change: p.Ala564Thr; replaces alanine 564 with threonine.
Molecular consequence: missense variant.
Genome position (GRCh38, 1-based): chr19:15,187,255, C>T on the plus strand (G>A on the coding strand, the complement: NOTCH3 is on the minus strand). VCF-style: chr19-15187255-C-T. GRCh37 (hg19) VCF-style: chr19-15298066-C-T.
Other names: p.Ala564Thr; short protein forms A564T.
Identifiers: ClinVar variation 328409 (VCV000328409.23), dbSNP rs374767079, ClinGen allele CA9263577.
Genomic context (GRCh38, chr19:15,187,255, plus strand): 5'-CCACCTGGCTCTCGCAGCGTGTGCCCGTGTAGCCAGGAGCACAGGCACATGAGAAGCTGG[C>T]GATGCCATCCACGCAGCGACCATGGTGGCATGGGTCAGGGGAGCAGTCGTCCACGTTGCG-3'
Protein context (NP_000426.2, residues 554-574): CHHGRCVDGI[Ala564Thr]SFSCACAPGY